The following is an entry in ClinVar:

ClinVar aggregate classification (germline): Conflicting classifications of pathogenicity. Review status: criteria provided, conflicting classifications (1 of 4 stars). 2 submissions from 2 submitters: Likely pathogenic (1); Uncertain significance (1). Last evaluated 2025-07-16.

Submissions (2):

GeneDx
Classification: Likely pathogenic. Last evaluated: 2025-07-16. Review status: criteria provided, single submitter. Criteria: GeneDx Variant Classification Process June 2021. Collection method: clinical testing. Allele origin: germline. Affected: yes.
Comment: Not observed at significant frequency in large population cohorts (gnomAD); In silico analysis indicates that this missense variant does not alter protein structure/function; Has not been previously published as pathogenic or benign to our knowledge; This variant is associated with the following publications: (PMID: 21139634, 26094131)

CeGaT Center for Human Genetics Tuebingen
Classification: Uncertain significance. Last evaluated: 2016-08-01. Review status: criteria provided, single submitter. Criteria: CeGaT Center For Human Genetics Tuebingen Variant Classification Criteria Version 2. Collection method: clinical testing. Allele origin: germline. Affected: yes. Observed: 1 variant allele.

NM_014946.4(SPAST):c.1501A>C (p.Ile501Leu)

Gene: SPAST (spastin; plus strand). Cytogenetic location: 2p22.3.
Variant type: single nucleotide variant.
Coding change: c.1501A>C on transcript NM_014946.4 (MANE Select); coding-DNA position 1501, A replaced by C.
Protein change: p.Ile501Leu; replaces isoleucine 501 with leucine.
Molecular consequence: missense variant.
Genome position (GRCh38, 1-based): chr2:32,141,911, A>C. VCF-style: chr2-32141911-A-C. GRCh37 (hg19) VCF-style: chr2-32366980-A-C.
Other names: c.1498A>C, p.Ile500Leu (NM_001363823.2); c.1402A>C, p.Ile468Leu (NM_001363875.2); c.1405A>C, p.Ile469Leu (NM_001377959.1, NM_199436.2); short protein forms I501L, I468L, I469L, I500L.
Identifiers: ClinVar variation 374456 (VCV000374456.48), dbSNP rs1057519108, ClinGen allele CA16043744.